The following is an entry in ClinVar:

ClinVar aggregate classification (germline): Uncertain significance (1 of 4 stars; one submission).

Conditions:
Familial cancer of breast. Also called: Hereditary breast cancer; hereditary breast carcinoma; BREAST CANCER, FAMILIAL. Identifiers: Orphanet 227535, MedGen C0346153, MONDO:0016419, OMIM 114480. Disease mechanism: loss of function.

Submission:

Labcorp Genetics (formerly Invitae), Labcorp
Classification: Uncertain significance for Familial cancer of breast. Last evaluated: 2025-05-07. Review status: criteria provided, single submitter. Criteria: Invitae Variant Classification Sherloc (09022015). Collection method: clinical testing. Allele origin: germline.
Comment: This sequence change replaces serine, which is neutral and polar, with proline, which is neutral and non-polar, at codon 489 of the PALB2 protein (p.Ser489Pro). This variant is not present in population databases (gnomAD no frequency). This variant has not been reported in the literature in individuals affected with PALB2-related conditions. ClinVar contains an entry for this variant (Variation ID: 1514807). Invitae Evidence Modeling of protein sequence and biophysical properties (such as structural, functional, and spatial information, amino acid conservation, physicochemical variation, residue mobility, and thermodynamic stability) indicates that this missense variant is not expected to disrupt PALB2 protein function with a negative predictive value of 80%. In summary, the available evidence is currently insufficient to determine the role of this variant in disease. Therefore, it has been classified as a Variant of Uncertain Significance.

NM_024675.4(PALB2):c.1465T>C (p.Ser489Pro)

Gene: PALB2 (partner and localizer of BRCA2; minus strand). Cytogenetic location: 16p12.2.
Variant type: single nucleotide variant.
Coding change: c.1465T>C on transcript NM_024675.4 (MANE Select); coding-DNA position 1465, T replaced by C.
Protein change: p.Ser489Pro; replaces serine 489 with proline.
Molecular consequence: missense variant.
Genome position (GRCh38, 1-based): chr16:23,635,081, A>G on the plus strand (T>C on the coding strand, the complement: PALB2 is on the minus strand). VCF-style: chr16-23635081-A-G. GRCh37 (hg19) VCF-style: chr16-23646402-A-G.
Other names: short protein forms S489P.
Identifiers: ClinVar variation 1514807 (VCV001514807.9), dbSNP rs538225556, ClinGen allele CA279498341.